The following is an entry in ClinVar:

NM_004523.4(KIF11):c.1383T>G (p.Leu461=)

Gene: KIF11 (kinesin family member 11; plus strand). Cytogenetic location: 10q23.33.
Variant type: single nucleotide variant.
Coding change: c.1383T>G on transcript NM_004523.4 (MANE Select); coding-DNA position 1383, T replaced by G.
Protein change: p.Leu461=; no amino-acid change (leucine 461 retained).
Molecular consequence: synonymous variant.
Genome position (GRCh38, 1-based): chr10:92,630,253, T>G. VCF-style: chr10-92630253-T-G. GRCh37 (hg19) VCF-style: chr10-94390010-T-G.
Identifiers: ClinVar variation 718949 (VCV000718949.16), dbSNP rs200035618, ClinGen allele CA5604188.

ClinVar aggregate classification (germline): Benign/Likely benign. Review status: criteria provided, multiple submitters, no conflicts (2 of 4 stars). 4 submissions from 4 submitters: Benign (1); Likely benign (3). Last evaluated 2026-01-17.

Conditions:
KIF11-related disorder. Also called: KIF11-related condition.

Allele frequency attached by ClinVar (database versions not stated): gnomAD exomes 0.00014 and 0.00023; gnomAD 0.00018 and 0.00019; ExAC 0.00019; 1000 Genomes Project 30x 0.00047; TOPMed 0.00056; 1000 Genomes Project 0.00060.
gnomAD v4.1: 257 of 1,610,304 alleles (0.016%); highest among the groups gnomAD compares: Middle Eastern, 0.17%; no homozygotes.

Submissions (4):

Labcorp Genetics (formerly Invitae), Labcorp
Classification: Likely benign. Last evaluated: 2026-01-17. Review status: criteria provided, single submitter. Criteria: Invitae Variant Classification Sherloc (09022015). Collection method: clinical testing. Allele origin: germline.

PreventionGenetics, part of Exact Sciences
Classification: Likely benign for KIF11-related condition. Last evaluated: 2025-05-17. Review status: criteria provided, single submitter. Criteria: ACMG Guidelines, 2015. Collection method: clinical testing. Allele origin: germline.
Comment: This variant is classified as likely benign based on ACMG/AMP sequence variant interpretation guidelines (Richards et al. 2015 PMID: 25741868, with internal and published modifications).

Blueprint Genetics
Classification: Likely benign. Last evaluated: 2024-11-22. Review status: criteria provided, single submitter. Criteria: ACMG Guidelines, 2015. Collection method: clinical testing. Allele origin: germline.

GeneDx
Classification: Benign. Last evaluated: 2020-02-07. Review status: criteria provided, single submitter. Criteria: GeneDx Variant Classification Process June 2021. Collection method: clinical testing. Allele origin: germline. Affected: yes.